The following is an entry in ClinVar:

ClinVar aggregate classification (germline): Pathogenic (1 of 4 stars; one submission).

Conditions:
Hereditary spastic paraplegia 4. Also called: Familial spastic paraplegia autosomal dominant 2; Spastic paraplegia 4, autosomal dominant; Spastic Paraplegia 4. Identifiers: Orphanet 100985, MedGen C1866855, MONDO:0008438, OMIM 182601.

Submission:

Labcorp Genetics (formerly Invitae), Labcorp
Classification: Pathogenic for Hereditary spastic paraplegia 4. Last evaluated: 2018-06-11. Review status: criteria provided, single submitter. Criteria: Invitae Variant Classification Sherloc (09022015). Collection method: clinical testing. Allele origin: germline.
Comment: This variant is not present in population databases (ExAC no frequency). This variant has not been reported in the literature in individuals with SPAST-related disease. Loss-of-function variants in SPAST are known to be pathogenic (PMID: 20932283). For these reasons, this variant has been classified as Pathogenic. This sequence change creates a premature translational stop signal (p.Thr242*) in the SPAST gene. It is expected to result in an absent or disrupted protein product.

Literature cited by the submitters: PubMed 20932283.

NM_014946.4(SPAST):c.724_725del (p.His241_Thr242insTer)

Gene: SPAST (spastin; plus strand). Cytogenetic location: 2p22.3.
Variant type: Microsatellite.
Coding change: c.724_725del on transcript NM_014946.4 (MANE Select); coding-DNA positions 724 to 725, 2 bases deleted (AC; older notation c.724_725delAC).
Protein change: p.His241_Thr242insTer.
Molecular consequence: nonsense.
Genome position (GRCh38, 1-based): chr2:32,114,679-32,114,680, AC deleted; deleting any 2 consecutive bases within chr2:32,114,673-32,114,680 gives the same sequence; the c. name uses the placement nearest the transcript's 3' end. VCF-style (leftmost placement, unchanged base first): chr2-32114672-AAC-A. GRCh37 (hg19) VCF-style: chr2-32339741-AAC-A.
Other names: c.724_725delAC (NM_014946.3); c.721_722del, p.His240_Thr241insTer (NM_001363823.2); c.625_626del, p.His208_Thr209insTer (NM_001363875.2); c.628_629del, p.His209_Thr210insTer (NM_001377959.1, NM_199436.2).
Identifiers: ClinVar variation 577409 (VCV000577409.7), dbSNP rs1558323426, ClinGen allele CA891842673.